The following is an entry in ClinVar:

NM_001083926.2(ASRGL1):c.568G>A (p.Val190Ile)

Gene: ASRGL1 (asparaginase and isoaspartyl peptidase 1; plus strand). Cytogenetic location: 11q12.3.
Variant type: single nucleotide variant.
Coding change: c.568G>A on transcript NM_001083926.2 (MANE Select); coding-DNA position 568, G replaced by A.
Protein change: p.Val190Ile; replaces valine 190 with isoleucine.
Molecular consequence: missense variant.
Genome position (GRCh38, 1-based): chr11:62,389,209, G>A. VCF-style: chr11-62389209-G-A. GRCh37 (hg19) VCF-style: chr11-62156681-G-A.
Other names: c.568G>A, p.Val190Ile (NM_025080.4); short protein forms V190I.
Identifiers: ClinVar variation 858118 (VCV000858118.9), dbSNP rs200906420, ClinGen allele CA6043239.
Genomic context (GRCh38, chr11:62,389,209, plus strand): 5'-GGTGCTGTTGCCTTGGACTGCAAAGGGAATGTAGCCTACGCAACCTCCACAGGCGGTATC[G>A]TTAATAAAATGGTCGGCCGCGTTGGGGACTCACCGTGTCTAGGTAGGACCAAGGGATGCC-3'
Protein context (NP_001077395.1, residues 180-200): VAYATSTGGI[Val190Ile]NKMVGRVGDS

ClinVar aggregate classification (germline): Uncertain significance (1 of 4 stars; one submission).

Allele frequency attached by ClinVar (database versions not stated): TOPMed 0.00001; gnomAD 0.00003 and 0.00004; ExAC 0.00004; gnomAD exomes 0.00004.
gnomAD v4.1: 38 of 1,614,036 alleles (0.0024%); highest among the groups gnomAD compares: East Asian, 0.011%; no homozygotes.

Submission:

Labcorp Genetics (formerly Invitae), Labcorp
Classification: Uncertain significance. Last evaluated: 2025-08-06. Review status: criteria provided, single submitter. Criteria: Invitae Variant Classification Sherloc (09022015). Collection method: clinical testing. Allele origin: germline.
Comment: This sequence change replaces valine, which is neutral and non-polar, with isoleucine, which is neutral and non-polar, at codon 190 of the ASRGL1 protein (p.Val190Ile). This variant is present in population databases (rs200906420, gnomAD 0.03%). This variant has not been reported in the literature in individuals affected with ASRGL1-related conditions. ClinVar contains an entry for this variant (Variation ID: 858118). An algorithm developed to predict the effect of missense changes on protein structure and function outputs the following: PolyPhen-2: "Benign". The isoleucine amino acid residue is found in multiple mammalian species, which suggests that this missense change does not adversely affect protein function. In summary, the available evidence is currently insufficient to determine the role of this variant in disease. Therefore, it has been classified as a Variant of Uncertain Significance.